The following is an entry in ClinVar:

ClinVar aggregate classification (germline): Uncertain significance (1 of 4 stars; one submission).

Conditions:
Loeys-Dietz syndrome 2 (LDS2). Also called: TGFBR2-Related Loeys-Dietz Syndrome; Marfan syndrome, type 2 (formerly); Marfan Syndrome type 2; Marfan like connective tissue disorder; MFS 2; AORTIC ANEURYSM, FAMILIAL THORACIC 3. Identifiers: Orphanet 284973, Orphanet 558, MedGen C2674574, MONDO:0012427, OMIM 610168.

Submission:

Labcorp Genetics (formerly Invitae), Labcorp
Classification: Uncertain significance for Loeys-Dietz syndrome 2. Last evaluated: 2025-08-10. Review status: criteria provided, single submitter. Criteria: Invitae Variant Classification Sherloc (09022015). Collection method: clinical testing. Allele origin: germline.
Comment: This sequence change replaces glutamic acid, which is acidic and polar, with lysine, which is basic and polar, at codon 505 of the TMPO protein (p.Glu505Lys). This variant is not present in population databases (gnomAD no frequency). This variant has not been reported in the literature in individuals affected with TMPO-related conditions. ClinVar contains an entry for this variant (Variation ID: 2082946). Invitae Evidence Modeling of protein sequence and biophysical properties (such as structural, functional, and spatial information, amino acid conservation, physicochemical variation, residue mobility, and thermodynamic stability) indicates that this missense variant is not expected to disrupt TMPO protein function with a negative predictive value of 80%. In summary, the available evidence is currently insufficient to determine the role of this variant in disease. Therefore, it has been classified as a Variant of Uncertain Significance.

NM_001032283.3(TMPO):c.565+1932G>A

Gene: TMPO (thymopoietin; plus strand). Cytogenetic location: 12q23.1.
Variant type: single nucleotide variant.
Coding change: c.565+1932G>A on transcript NM_001032283.3 (MANE Select); 1932 bases into the intron after coding-DNA position 565, G replaced by A.
Molecular consequence: intron variant. On other transcripts: missense variant (1).
Genome position (GRCh38, 1-based): chr12:98,533,770, G>A. VCF-style: chr12-98533770-G-A. GRCh37 (hg19) VCF-style: chr12-98927548-G-A.
Other names: c.1513G>A, p.Glu505Lys (NM_003276.2); c.565+1932G>A (NM_001307975.2, NM_001032284.3); short protein forms E505K.
Identifiers: ClinVar variation 2082946 (VCV002082946.4), dbSNP rs1438230077, ClinGen allele CA386153353.
Genomic context (GRCh38, chr12:98,533,770, plus strand): 5'-ATAGATGCCTCAGAACTATCTTTTCCCTTCCATGAATCTATTTTAAAAGTAATTGAAGAA[G>A]AATGGCAGCAAGTTGACAGGCAGCTGCCTTCACTGGCATGCAAATATCCAGTTTCTTCCA-3'